The following is an entry in ClinVar:

ClinVar aggregate classification (germline): Benign. Review status: criteria provided, multiple submitters, no conflicts (2 of 4 stars). 3 submissions from 3 submitters: Benign (3). Last evaluated 2023-12-01.

Allele frequency attached by ClinVar (database versions not stated): gnomAD exomes 0.00034 and 0.00098; ExAC 0.00113; ESP Exome Variant Server 0.00269; gnomAD 0.00375 and 0.00402; TOPMed 0.00419; 1000 Genomes Project 0.00439; 1000 Genomes Project 30x 0.00453.
gnomAD v4.1: 1,103 of 1,610,352 alleles (0.068%); highest among the groups gnomAD compares: African/African-American, 1.3%; 15 homozygotes.

Submissions (3):

CeGaT Center for Human Genetics Tuebingen
Classification: Benign. Last evaluated: 2023-12-01. Review status: criteria provided, single submitter. Criteria: CeGaT Center For Human Genetics Tuebingen Variant Classification Criteria Version 2. Collection method: clinical testing. Allele origin: germline. Affected: yes. Observed: 1 variant allele.
Comment: DNAH10: BP4, BS1, BS2

Labcorp Genetics (formerly Invitae), Labcorp
Classification: Benign. Last evaluated: 2019-12-31. Review status: criteria provided, single submitter. Criteria: Invitae Variant Classification Sherloc (09022015). Collection method: clinical testing. Allele origin: germline.

Breakthrough Genomics
Classification: Benign. Review status: criteria provided, single submitter. Criteria: ACMG Guidelines, 2015. Collection method: not provided. Allele origin: germline. Inheritance: Autosomal recessive inheritance. Affected: yes.

NM_001372106.1(DNAH10):c.1409G>A (p.Arg470Gln)

Gene: DNAH10 (dynein axonemal heavy chain 10; plus strand). Cytogenetic location: 12q24.31.
Variant type: single nucleotide variant.
Coding change: c.1409G>A on transcript NM_001372106.1 (MANE Select); coding-DNA position 1409, G replaced by A.
Protein change: p.Arg470Gln; replaces arginine 470 with glutamine.
Molecular consequence: missense variant.
Genome position (GRCh38, 1-based): chr12:123,785,924, G>A. VCF-style: chr12-123785924-G-A. GRCh37 (hg19) VCF-style: chr12-124270471-G-A.
Other names: c.1226G>A, p.Arg409Gln (NM_207437.3); short protein forms R409Q, R470Q.
Identifiers: ClinVar variation 712126 (VCV000712126.27), dbSNP rs79726540, ClinGen allele CA6862734.
Genomic context (GRCh38, chr12:123,785,924, plus strand): 5'-CGCTCATGGAGCGCATCGCCTGGGAAATCGCTGAGAGAGTCTGCCGAGTGGTCAACCTGC[G>A]GACTTTGTTCAAGTAAGAAGCCATGGCGTTCATTTTTTTGTTTTGTTTTGTTTCACTTTT-3'
Protein context (NP_001359035.1, residues 460-480): AERVCRVVNL[Arg470Gln]TLFKENRASA